The following is an entry in ClinVar:

NM_000322.5(PRPH2):c.604G>T (p.Gly202Trp)

Gene: PRPH2 (peripherin 2; minus strand). Cytogenetic location: 6p21.1.
Variant type: single nucleotide variant.
Coding change: c.604G>T on transcript NM_000322.5 (MANE Select); coding-DNA position 604, G replaced by T.
Protein change: p.Gly202Trp; replaces glycine 202 with tryptophan.
Molecular consequence: missense variant.
Genome position (GRCh38, 1-based): chr6:42,704,589, C>A on the plus strand (G>T on the coding strand, the complement: PRPH2 is on the minus strand). VCF-style: chr6-42704589-C-A. GRCh37 (hg19) VCF-style: chr6-42672327-C-A.
Other names: short protein forms G202W.
Identifiers: ClinVar variation 1949996 (VCV001949996.5), dbSNP rs752610846, ClinGen allele CA364135758.

ClinVar aggregate classification (germline): Likely pathogenic (1 of 4 stars; one submission).

Conditions:
PRPH2-related disorder. Also called: PRPH2-related disorders; PRPH2-related condition. Identifiers: MedGen CN239395.

Submission:

Labcorp Genetics (formerly Invitae), Labcorp
Classification: Likely pathogenic for PRPH2-related disorder. Last evaluated: 2022-05-28. Review status: criteria provided, single submitter. Criteria: Invitae Variant Classification Sherloc (09022015). Collection method: clinical testing. Allele origin: germline.
Comment: In summary, the currently available evidence indicates that the variant is pathogenic, but additional data are needed to prove that conclusively. Therefore, this variant has been classified as Likely Pathogenic. This variant disrupts the p.Gly202 amino acid residue in PRPH2. Other variant(s) that disrupt this residue have been determined to be pathogenic (PMID: 33546218; Invitae). This suggests that this residue is clinically significant, and that variants that disrupt this residue are likely to be disease-causing. Advanced modeling of protein sequence and biophysical properties (such as structural, functional, and spatial information, amino acid conservation, physicochemical variation, residue mobility, and thermodynamic stability) performed at Invitae indicates that this missense variant is expected to disrupt PRPH2 protein function. This variant has not been reported in the literature in individuals affected with PRPH2-related conditions. This variant is not present in population databases (gnomAD no frequency). This sequence change replaces glycine, which is neutral and non-polar, with tryptophan, which is neutral and slightly polar, at codon 202 of the PRPH2 protein (p.Gly202Trp).

Literature cited by the submitters: PubMed 33546218.